The following is an entry in ClinVar:

ClinVar aggregate classification (germline): Pathogenic (1 of 4 stars; one submission).

Conditions:
Werner syndrome (WRN). Identifiers: Orphanet 902, MedGen C0043119, MONDO:0010196, OMIM 277700.

Submission:

Labcorp Genetics (formerly Invitae), Labcorp
Classification: Pathogenic for Werner syndrome. Last evaluated: 2023-09-01. Review status: criteria provided, single submitter. Criteria: Invitae Variant Classification Sherloc (09022015). Collection method: clinical testing. Allele origin: germline.
Comment: This sequence change creates a premature translational stop signal (p.Glu1151*) in the WRN gene. It is expected to result in an absent or disrupted protein product. Loss-of-function variants in WRN are known to be pathogenic (PMID: 16673358). This variant is not present in population databases (gnomAD no frequency). This variant has not been reported in the literature in individuals affected with WRN-related conditions. For these reasons, this variant has been classified as Pathogenic.

Literature cited by the submitters: PubMed 16673358.

NM_000553.6(WRN):c.3451G>T (p.Glu1151Ter)

Gene: WRN (WRN RecQ like helicase; plus strand). Cytogenetic location: 8p12.
Variant type: single nucleotide variant.
Coding change: c.3451G>T on transcript NM_000553.6 (MANE Select); coding-DNA position 3451, G replaced by T.
Protein change: p.Glu1151Ter; replaces glutamic acid 1151 with a stop codon.
Molecular consequence: nonsense.
Genome position (GRCh38, 1-based): chr8:31,147,120, G>T. VCF-style: chr8-31147120-G-T. GRCh37 (hg19) VCF-style: chr8-31004636-G-T.
Other names: short protein forms E1151*.
Identifiers: ClinVar variation 2804070 (VCV002804070.3), dbSNP rs1802887261, ClinGen allele CA370925533.